The following is an entry in ClinVar:

ClinVar aggregate classification (germline): Uncertain significance. Review status: criteria provided, multiple submitters, no conflicts (2 of 4 stars). 3 submissions from 3 submitters: Uncertain significance (3). Last evaluated 2024-06-11.

Conditions:
Inborn genetic diseases. Identifiers: MedGen C0950123, MeSH D030342.

Allele frequency attached by ClinVar (database versions not stated): ExAC 0.00013; ESP Exome Variant Server 0.00031; TOPMed 0.00041.
gnomAD v4.1: 104 of 1,613,840 alleles (0.0064%); highest among the groups gnomAD compares: African/African-American, 0.12%; no homozygotes.

Submissions (3):

Ambry Genetics
Classification: Uncertain significance for Inborn genetic diseases. Last evaluated: 2024-06-11. Review status: criteria provided, single submitter. Criteria: Ambry Variant Classification Scheme 2023. Collection method: clinical testing. Allele origin: germline.

GeneDx
Classification: Uncertain significance. Last evaluated: 2022-11-15. Review status: criteria provided, single submitter. Criteria: GeneDx Variant Classification Process June 2021. Collection method: clinical testing. Allele origin: germline. Affected: yes.
Comment: In silico analysis supports that this missense variant does not alter protein structure/function; Has not been previously published as pathogenic or benign to our knowledge

Labcorp Genetics (formerly Invitae), Labcorp
Classification: Uncertain significance. Last evaluated: 2022-09-26. Review status: criteria provided, single submitter. Criteria: Invitae Variant Classification Sherloc (09022015). Collection method: clinical testing. Allele origin: germline.
Comment: This sequence change replaces valine, which is neutral and non-polar, with alanine, which is neutral and non-polar, at codon 131 of the SEPSECS protein (p.Val131Ala). This variant is present in population databases (rs142338876, gnomAD 0.1%). This variant has not been reported in the literature in individuals affected with SEPSECS-related conditions. Advanced modeling of protein sequence and biophysical properties (such as structural, functional, and spatial information, amino acid conservation, physicochemical variation, residue mobility, and thermodynamic stability) performed at Invitae indicates that this missense variant is not expected to disrupt SEPSECS protein function. In summary, the available evidence is currently insufficient to determine the role of this variant in disease. Therefore, it has been classified as a Variant of Uncertain Significance.

NM_016955.4(SEPSECS):c.392T>C (p.Val131Ala)

Gene: SEPSECS (Sep (O-phosphoserine) tRNA:Sec (selenocysteine) tRNA synthase; minus strand). Cytogenetic location: 4p15.2.
Variant type: single nucleotide variant.
Coding change: c.392T>C on transcript NM_016955.4 (MANE Select); coding-DNA position 392, T replaced by C.
Protein change: p.Val131Ala; replaces valine 131 with alanine.
Molecular consequence: missense variant.
Genome position (GRCh38, 1-based): chr4:25,156,192, A>G on the plus strand (T>C on the coding strand, the complement: SEPSECS is on the minus strand). VCF-style: chr4-25156192-A-G. GRCh37 (hg19) VCF-style: chr4-25157814-A-G.
Other names: c.647T>C, p.Val216Ala (NM_001410714.1); c.392T>C, p.Val131Ala (NM_153825.2); c.392T>C (NM_016955.3); short protein forms V131A, V216A.
Identifiers: ClinVar variation 2203660 (VCV002203660.3), dbSNP rs142338876, ClinGen allele CA2877440.